The following is an entry in ClinVar:

NM_012123.4(MTO1):c.1486G>A (p.Val496Met)

Gene: MTO1 (mitochondrial tRNA translation optimization 1; plus strand). Cytogenetic location: 6q13.
Variant type: single nucleotide variant.
Coding change: c.1486G>A on transcript NM_012123.4 (MANE Select); coding-DNA position 1486, G replaced by A.
Protein change: p.Val496Met; replaces valine 496 with methionine.
Molecular consequence: missense variant.
Genome position (GRCh38, 1-based): chr6:73,482,469, G>A. VCF-style: chr6-73482469-G-A. GRCh37 (hg19) VCF-style: chr6-74192192-G-A.
Other names: c.1606G>A, p.Val536Met (NM_001123226.2); c.1561G>A, p.Val521Met (NM_133645.3); short protein forms V496M, V521M, V536M.
Identifiers: ClinVar variation 2430574 (VCV002430574.1), dbSNP rs1389559289, ClinGen allele CA364717359.

ClinVar aggregate classification (germline): Uncertain significance (1 of 4 stars; one submission).

Allele frequency attached by ClinVar (database versions not stated): gnomAD exomes 0.00001.
gnomAD v4.1: 8 of 1,612,904 alleles (0.0005%); highest among the groups gnomAD compares: Non-Finnish European, 0.00068%; no homozygotes.

Submission:

GeneDx
Classification: Uncertain significance. Last evaluated: 2022-08-22. Review status: criteria provided, single submitter. Criteria: GeneDx Variant Classification Process June 2021. Collection method: clinical testing. Allele origin: germline. Affected: yes.
Comment: Not observed at significant frequency in large population cohorts (gnomAD); In silico analysis supports that this missense variant has a deleterious effect on protein structure/function; Has not been previously published as pathogenic or benign to our knowledge